The following is an entry in ClinVar:

ClinVar aggregate classification (germline): Uncertain significance. Review status: criteria provided, multiple submitters, no conflicts (2 of 4 stars). 2 submissions from 2 submitters: Uncertain significance (2). Last evaluated 2025-10-01.

Allele frequency attached by ClinVar (database versions not stated): TOPMed 0.00001; ExAC 0.00002; gnomAD 0.00002.
gnomAD v4.1: 20 of 1,613,972 alleles (0.0012%); highest among the groups gnomAD compares: South Asian, 0.019%; no homozygotes.

Submissions (2):

Ambry Genetics
Classification: Uncertain significance. Last evaluated: 2025-10-01. Review status: criteria provided, single submitter. Criteria: Ambry Variant Classification Scheme 2023. Collection method: clinical testing. Allele origin: germline.

Labcorp Genetics (formerly Invitae), Labcorp
Classification: Uncertain significance. Last evaluated: 2025-04-09. Review status: criteria provided, single submitter. Criteria: Invitae Variant Classification Sherloc (09022015). Collection method: clinical testing. Allele origin: germline.
Comment: This sequence change replaces isoleucine, which is neutral and non-polar, with methionine, which is neutral and non-polar, at codon 264 of the MS4A1 protein (p.Ile264Met). This variant is present in population databases (rs774350658, gnomAD 0.01%). This variant has not been reported in the literature in individuals affected with MS4A1-related conditions. ClinVar contains an entry for this variant (Variation ID: 1989419). An algorithm developed to predict the effect of missense changes on protein structure and function (PolyPhen-2) suggests that this variant is likely to be disruptive. In summary, the available evidence is currently insufficient to determine the role of this variant in disease. Therefore, it has been classified as a Variant of Uncertain Significance.

NM_152866.3(MS4A1):c.792T>G (p.Ile264Met)

Gene: MS4A1 (membrane spanning 4-domains A1; plus strand). Cytogenetic location: 11q12.2.
Variant type: single nucleotide variant.
Coding change: c.792T>G on transcript NM_152866.3 (MANE Select); coding-DNA position 792, T replaced by G.
Protein change: p.Ile264Met; replaces isoleucine 264 with methionine.
Molecular consequence: missense variant.
Genome position (GRCh38, 1-based): chr11:60,468,366, T>G. VCF-style: chr11-60468366-T-G. GRCh37 (hg19) VCF-style: chr11-60235839-T-G.
Other names: c.792T>G, p.Ile264Met (NM_021950.4, NM_152867.2); short protein forms I264M.
Identifiers: ClinVar variation 1989419 (VCV001989419.6), dbSNP rs774350658, ClinGen allele CA6025091.